The following is an entry in ClinVar:

NM_020810.3(TRMT5):c.157C>G (p.Gln53Glu)

Gene: TRMT5 (tRNA methyltransferase 5; minus strand). Cytogenetic location: 14q23.1.
Variant type: single nucleotide variant.
Coding change: c.157C>G on transcript NM_020810.3 (MANE Select); coding-DNA position 157, C replaced by G.
Protein change: p.Gln53Glu; replaces glutamine 53 with glutamic acid.
Molecular consequence: missense variant.
Genome position (GRCh38, 1-based): chr14:60,979,741, G>C on the plus strand (C>G on the coding strand, the complement: TRMT5 is on the minus strand). VCF-style: chr14-60979741-G-C. GRCh37 (hg19) VCF-style: chr14-61446459-G-C.
Other names: c.241C>G, p.Gln81Glu (NM_001350253.1); c.238C>G, p.Gln80Glu (NM_001350254.1); short protein forms Q80E, Q81E, Q53E.
Identifiers: ClinVar variation 1431176 (VCV001431176.4), dbSNP rs188092813, ClinGen allele CA7213972.

ClinVar aggregate classification (germline): Uncertain significance (1 of 4 stars; one submission).

Allele frequency attached by ClinVar (database versions not stated): gnomAD 0.00001 and 0.00003; ExAC 0.00002; TOPMed 0.00002; gnomAD exomes 0.00003; 1000 Genomes Project 30x 0.00016; 1000 Genomes Project 0.00020.
gnomAD v4.1: 17 of 1,613,816 alleles (0.0011%); highest among the groups gnomAD compares: Admixed American, 0.01%; no homozygotes.

Submission:

Labcorp Genetics (formerly Invitae), Labcorp
Classification: Uncertain significance. Last evaluated: 2022-07-12. Review status: criteria provided, single submitter. Criteria: Invitae Variant Classification Sherloc (09022015). Collection method: clinical testing. Allele origin: germline.
Comment: This sequence change replaces glutamine, which is neutral and polar, with glutamic acid, which is acidic and polar, at codon 53 of the TRMT5 protein (p.Gln53Glu). This variant is present in population databases (rs188092813, gnomAD 0.009%). In summary, the available evidence is currently insufficient to determine the role of this variant in disease. Therefore, it has been classified as a Variant of Uncertain Significance. Algorithms developed to predict the effect of missense changes on protein structure and function (SIFT, PolyPhen-2, Align-GVGD) all suggest that this variant is likely to be tolerated. ClinVar contains an entry for this variant (Variation ID: 1431176). This variant has not been reported in the literature in individuals affected with TRMT5-related conditions.